The following is an entry in ClinVar:

ClinVar aggregate classification (germline): Pathogenic. Review status: criteria provided, multiple submitters, no conflicts (2 of 4 stars). 11 submissions from 10 submitters: Pathogenic (7). 4 of the submissions do not count toward it. Last evaluated 2026-10-19.

Conditions:
Inherited breast cancer and ovarian cancer.
Breast-ovarian cancer, familial, susceptibility to, 5 (BROVCA5). Identifiers: MedGen C5830615, MONDO:0957530, OMIM 620442.
Hereditary cancer-predisposing syndrome. Also called: Neoplastic Syndromes, Hereditary; Tumor predisposition; Hereditary Cancer Syndrome; Hereditary neoplastic syndrome. Identifiers: Orphanet 140162, MedGen C0027672, MeSH D009386, MONDO:0015356.
Familial cancer of breast. Also called: Hereditary breast cancer; hereditary breast carcinoma; BREAST CANCER, FAMILIAL. Identifiers: Orphanet 227535, MedGen C0346153, MONDO:0016419, OMIM 114480. Disease mechanism: loss of function.
Fanconi anemia complementation group N. Also called: PALB2-Related Fanconi Anemia. Identifiers: Orphanet 84, MedGen C1835817, MONDO:0012565, OMIM 610832. Disease mechanism: loss of function.

Allele frequency attached by ClinVar (database versions not stated): gnomAD exomes below 0.00001.
gnomAD v4.1: 3 of 1,614,092 alleles (0.00019%); highest among the groups gnomAD compares: Non-Finnish European, 0.00025%; no homozygotes.

Submissions (11):

Genomics and Molecular Medicine Service, East Genomic Laboratory Hub, NHS Genomic Medicine Service
Classification: Pathogenic for Inherited breast cancer and ovarian cancer. Last evaluated: 2026-10-19. Review status: criteria provided, single submitter. Criteria: ACGS Best Practice Guidelines for Variant Classification in Rare Disease 2020. Collection method: clinical testing. Allele origin: germline. Affected: yes.
Comment: PVS1,PS4,PM2_Supporting,PM5_Supporting

Ambry Genetics
Classification: Pathogenic for Hereditary cancer-predisposing syndrome. Last evaluated: 2025-10-17. Review status: criteria provided, single submitter. Criteria: Ambry Variant Classification Scheme 2023. Collection method: clinical testing. Allele origin: germline.
Comment: The p.Q988* pathogenic mutation (also known as c.2962C>T) located in coding exon 9 of the PALB2 gene, results from a C to T substitution at nucleotide position 2962. This changes the amino acid from a glutamine to a stop codon within coding exon 9. This mutation was described in a child with Fanconia anemia, whose clinical features included medulloblastoma, growth retardation, microcephaly, and hypoplastic thumb (Reid S et al. Nat. Genet. 2007; 39:162-4). In addition to the clinical data presented in the literature, this alteration is expected to result in loss of function by premature protein truncation or nonsense-mediated mRNA decay. As such, this alteration is interpreted as a disease-causing mutation.

Color Diagnostics, LLC DBA Color Health
Classification: Pathogenic for Hereditary cancer-predisposing syndrome. Last evaluated: 2023-11-20. Review status: criteria provided, single submitter. Criteria: ACMG Guidelines, 2015. Collection method: clinical testing. Allele origin: germline.
Comment: This variant changes 1 nucleotide in exon 9 of the PALB2 gene, creating a premature translation stop signal. This variant is expected to result in an absent or non-functional protein product. This variant has been reported in four individuals affected with breast cancer from two families and observed to segregate with disease in a mother and her two daughters (PMID: 21365267, 21618343), and this variant also has been detected in a breast cancer case-control meta-analysis in 3/60466 cases and 0/53461 unaffected individuals (PMID: 33471991; Leiden Open Variation Database DB-ID PALB2_000013). This variant also has been detected in a parent of a child affected with Fanconi anemia, whose other parent has a different pathogenic truncation variant in PALB2 (PMID: 17200671). This variant has not been identified in the general population by the Genome Aggregation Database (gnomAD). Loss of PALB2 function is a known mechanism of disease. Based on the available evidence, this variant is classified as Pathogenic.

Labcorp Genetics (formerly Invitae), Labcorp
Classification: Pathogenic for Familial cancer of breast. Last evaluated: 2023-09-08. Review status: criteria provided, single submitter. Criteria: Invitae Variant Classification Sherloc (09022015). Collection method: clinical testing. Allele origin: germline.
Comment: This sequence change creates a premature translational stop signal (p.Gln988*) in the PALB2 gene. It is expected to result in an absent or disrupted protein product. Loss-of-function variants in PALB2 are known to be pathogenic (PMID: 17200668, 17200671, 17200672, 24136930, 25099575). This variant is not present in population databases (gnomAD no frequency). This premature translational stop signal has been observed in individual(s) with breast cancer (PMID: 21365267, 21618343). ClinVar contains an entry for this variant (Variation ID: 1246). Algorithms developed to predict the effect of sequence changes on RNA splicing suggest that this variant may disrupt the consensus splice site. For these reasons, this variant has been classified as Pathogenic.

Myriad Genetics, Inc.
Classification: Pathogenic for Familial cancer of breast. Last evaluated: 2023-04-03. Review status: criteria provided, single submitter. Criteria: Myriad Autosomal Dominant, Autosomal Recessive and X-Linked Classification Criteria (2023). Collection method: clinical testing. Allele origin: unknown.
Comment: This variant is considered pathogenic. This variant creates a termination codon and is predicted to result in premature protein truncation.

Genetics and Molecular Pathology, SA Pathology
Classification: Pathogenic for Familial cancer of breast. Last evaluated: 2020-05-05. Review status: criteria provided, single submitter. Criteria: ACMG Guidelines, 2015. Collection method: clinical testing. Allele origin: germline. Inheritance: Autosomal dominant inheritance. Affected: yes.

GeneDx
Classification: Pathogenic. Last evaluated: 2017-10-17. Review status: criteria provided, single submitter. Criteria: GeneDx Variant Classification (06012015). Collection method: clinical testing. Allele origin: germline. Affected: yes.
Comment: This variant is denoted PALB2 c.2962C>T at the cDNA level and p.Gln988Ter (Q988X) at the protein level. The substitution creates a nonsense variant, which changes a Glutamine to a premature stop codon (CAA>TAA), and is predicted to cause loss of normal protein function through either protein truncation or nonsense-mediated mRNA decay. PALB2 Gln988Ter has been reported in individuals with familial breast cancer and in the parent of a child with Fanconi anemia (Reid 2007, Hellebrand 2011, Hofstatter 2011). This variant is considered pathogenic.

Leiden Open Variation Database
Classification: Pathogenic. Last evaluated: 2019-05-13. Review status: no assertion criteria provided. Collection method: curation. Allele origin: germline. Affected: yes. Not counted in ClinVar's aggregate classification.
Comment: Curators: Marc Tischkowitz, Arleen D. Auerbach. Submitters to LOVD: Alfons Meindl, Arleen D. Auerbach, LOVD-team, but with Curator vacancy, Marc Tischkowitz.

Counsyl
Classification: Pathogenic for Familial cancer of breast. Last evaluated: 2017-08-15. Review status: no assertion criteria provided. Collection method: clinical testing. Allele origin: unknown. Not counted in ClinVar's aggregate classification.

OMIM
Classification: Pathogenic for FANCONI ANEMIA, COMPLEMENTATION GROUP N. Last evaluated: 2007-02-01. Review status: no assertion criteria provided. Collection method: literature only. Allele origin: germline. Not counted in ClinVar's aggregate classification.

OMIM
Classification: risk factor for BREAST-OVARIAN CANCER, FAMILIAL, SUSCEPTIBILITY TO, 5. Last evaluated: 2007-02-01. Review status: no assertion criteria provided. Collection method: literature only. Allele origin: germline. Not counted in ClinVar's aggregate classification.

Literature cited by the submitters: PubMed 17200671 (cited by 6 submitters); PubMed 21365267 (cited by 5 submitters); PubMed 21618343 (cited by 5 submitters); PubMed 25525159 (cited by Ambry Genetics); PubMed 28152038 (cited by Ambry Genetics); PubMed 28779002 (cited by Ambry Genetics); PubMed 33471991 (cited by Color Diagnostics, LLC DBA Color Health); PubMed 17200668 (cited by Labcorp Genetics (formerly Invitae), Labcorp); PubMed 17200672 (cited by Labcorp Genetics (formerly Invitae), Labcorp); PubMed 24136930 (cited by Labcorp Genetics (formerly Invitae), Labcorp); PubMed 25099575 (cited by Labcorp Genetics (formerly Invitae), Labcorp); PubMed 19264984 (cited by Leiden Open Variation Database); PubMed 31841383 (cited by OMIM).

NM_024675.4(PALB2):c.2962C>T (p.Gln988Ter)

Gene: PALB2 (partner and localizer of BRCA2; minus strand). Cytogenetic location: 16p12.2.
Variant type: single nucleotide variant.
Coding change: c.2962C>T on transcript NM_024675.4 (MANE Select); coding-DNA position 2962, C replaced by T.
Protein change: p.Gln988Ter; replaces glutamine 988 with a stop codon.
Molecular consequence: nonsense.
Genome position (GRCh38, 1-based): chr16:23,623,003, G>A on the plus strand (C>T on the coding strand, the complement: PALB2 is on the minus strand). VCF-style: chr16-23623003-G-A. GRCh37 (hg19) VCF-style: chr16-23634324-G-A.
Other names: short protein forms Q988*.
Identifiers: ClinVar variation 1246 (VCV000001246.30), dbSNP rs118203999, ClinGen allele CA164468.